The following is an entry in ClinVar:

NM_004336.5(BUB1):c.2222C>A (p.Pro741Gln)

Gene: BUB1 (BUB1 mitotic checkpoint serine/threonine kinase; minus strand). Cytogenetic location: 2q13.
Variant type: single nucleotide variant.
Coding change: c.2222C>A on transcript NM_004336.5 (MANE Select); coding-DNA position 2222, C replaced by A.
Protein change: p.Pro741Gln; replaces proline 741 with glutamine.
Molecular consequence: missense variant.
Genome position (GRCh38, 1-based): chr2:110,649,359, G>T on the plus strand (C>A on the coding strand, the complement: BUB1 is on the minus strand). VCF-style: chr2-110649359-G-T. GRCh37 (hg19) VCF-style: chr2-111406936-G-T.
Other names: c.2162C>A, p.Pro721Gln (NM_001278616.2); c.2222C>A, p.Pro741Gln (NM_001278617.2); short protein forms P741Q, P721Q.
Identifiers: ClinVar variation 3483052 (VCV003483052.1).
Genomic context (GRCh38, chr2:110,649,359, plus strand): 5'-TAGGAACTCACTGGTTTAGAAAGCCCAGATAAAAGTTTGAAAATCAGCTTATCATCCCAT[G>T]GGTTCCCAACAATGAAGTCTTAAAGGAATGAGAAAAAAAAAAAAAAAGGGAACATGAATT-3'
Protein context (NP_004327.1, residues 731-751): VDAPNFIVGN[Pro741Gln]WDDKLIFKLL

ClinVar aggregate classification (germline): Uncertain significance (1 of 4 stars; one submission).

Submission:

Ambry Genetics
Classification: Uncertain significance. Last evaluated: 2024-09-01. Review status: criteria provided, single submitter. Criteria: Ambry Variant Classification Scheme 2023. Collection method: clinical testing. Allele origin: germline.
Comment: The p.P741Q variant (also known as c.2222C>A), located in coding exon 19 of the BUB1 gene, results from a C to A substitution at nucleotide position 2222. The proline at codon 741 is replaced by glutamine, an amino acid with similar properties. This amino acid position is conserved. In addition, the in silico prediction for this alteration is inconclusive. Based on the available evidence, the clinical significance of this variant remains unclear.